The following is an entry in ClinVar:

ClinVar aggregate classification (germline): Uncertain significance (1 of 4 stars; one submission).

Submission:

Labcorp Genetics (formerly Invitae), Labcorp
Classification: Uncertain significance. Last evaluated: 2025-06-01. Review status: criteria provided, single submitter. Criteria: Invitae Variant Classification Sherloc (09022015). Collection method: clinical testing. Allele origin: germline.
Comment: This sequence change replaces serine, which is neutral and polar, with phenylalanine, which is neutral and non-polar, at codon 126 of the PRKCSH protein (p.Ser126Phe). This variant is not present in population databases (gnomAD no frequency). This variant has not been reported in the literature in individuals affected with PRKCSH-related conditions. An algorithm developed to predict the effect of missense changes on protein structure and function (PolyPhen-2) suggests that this variant is likely to be disruptive. In summary, the available evidence is currently insufficient to determine the role of this variant in disease. Therefore, it has been classified as a Variant of Uncertain Significance.

NM_001289104.2(PRKCSH):c.377C>T (p.Ser126Phe)

Gene: PRKCSH (PRKCSH beta subunit of glucosidase II; plus strand). Cytogenetic location: 19p13.2.
Variant type: single nucleotide variant.
Coding change: c.377C>T on transcript NM_001289104.2 (MANE Select); coding-DNA position 377, C replaced by T.
Protein change: p.Ser126Phe; replaces serine 126 with phenylalanine.
Molecular consequence: missense variant.
Genome position (GRCh38, 1-based): chr19:11,441,266, C>T. VCF-style: chr19-11441266-C-T. GRCh37 (hg19) VCF-style: chr19-11552081-C-T.
Other names: c.377C>T, p.Ser126Phe (NM_001001329.3, NM_001289102.2, NM_001289103.2 and 3 more transcripts); short protein forms S126F.
Identifiers: ClinVar variation 4759569 (VCV004759569.1).